The following is an entry in ClinVar:

ClinVar aggregate classification (germline): Uncertain significance (1 of 4 stars; one submission).

gnomAD v4.1: 2 of 1,614,116 alleles (0.00012%); highest among the groups gnomAD compares: Non-Finnish European, 0.00017%; no homozygotes.

Submission:

Labcorp Genetics (formerly Invitae), Labcorp
Classification: Uncertain significance. Last evaluated: 2025-09-17. Review status: criteria provided, single submitter. Criteria: Invitae Variant Classification Sherloc (09022015). Collection method: clinical testing. Allele origin: germline.
Comment: This sequence change replaces proline, which is neutral and non-polar, with threonine, which is neutral and polar, at codon 463 of the PRPF8 protein (p.Pro463Thr). This variant is not present in population databases (gnomAD no frequency). This variant has not been reported in the literature in individuals affected with PRPF8-related conditions. Invitae Evidence Modeling of protein sequence and biophysical properties (such as structural, functional, and spatial information, amino acid conservation, physicochemical variation, residue mobility, and thermodynamic stability) indicates that this missense variant is not expected to disrupt PRPF8 protein function with a negative predictive value of 80%. In summary, the available evidence is currently insufficient to determine the role of this variant in disease. Therefore, it has been classified as a Variant of Uncertain Significance.

NM_006445.4(PRPF8):c.1387C>A (p.Pro463Thr)

Gene: PRPF8 (pre-mRNA processing factor 8; minus strand). Cytogenetic location: 17p13.3.
Variant type: single nucleotide variant.
Coding change: c.1387C>A on transcript NM_006445.4 (MANE Select); coding-DNA position 1387, C replaced by A.
Protein change: p.Pro463Thr; replaces proline 463 with threonine.
Molecular consequence: missense variant.
Genome position (GRCh38, 1-based): chr17:1,679,313, G>T on the plus strand (C>A on the coding strand, the complement: PRPF8 is on the minus strand). VCF-style: chr17-1679313-G-T. GRCh37 (hg19) VCF-style: chr17-1582607-G-T.
Other names: short protein forms P463T.
Identifiers: ClinVar variation 4742817 (VCV004742817.1).
Genomic context (GRCh38, chr17:1,679,313, plus strand): 5'-GGAACAGAAGTCTGCGCAGGGCCCCTGGGGCACCTTACCTCTTCTTTTGAGCCTTAGGGG[G>T]CCGATGCTTCAGGGCATTCAGCACATAGTACTTAAGCAGCTTCTGGTAGGAGACCCTCAC-3'
Protein context (NP_006436.3, residues 453-473): YYVLNALKHR[Pro463Thr]PKAQKKRYLF